The following is an entry in ClinVar:

ClinVar aggregate classification (germline): Uncertain significance. Review status: criteria provided, multiple submitters, no conflicts (2 of 4 stars). 4 submissions from 4 submitters: Uncertain significance (4). Last evaluated 2023-04-11.

Conditions:
Inborn genetic diseases. Identifiers: MedGen C0950123, MeSH D030342.
Microcephaly 5, primary, autosomal recessive (MCPH5). Also called: ASPM Primary Microcephaly. Identifiers: Orphanet 2512, MedGen C1837501, MONDO:0012106, OMIM 608716.

Allele frequency attached by ClinVar (database versions not stated): gnomAD exomes 0.00006 and 0.00007; TOPMed 0.00006; gnomAD 0.00008 and 0.00009; ExAC 0.00010; ESP Exome Variant Server 0.00015.
gnomAD v4.1: 114 of 1,609,926 alleles (0.0071%); highest among the groups gnomAD compares: Non-Finnish European, 0.0095%; no homozygotes.

Submissions (4):

Genome-Nilou Lab
Classification: Uncertain significance for Microcephaly 5, primary, autosomal recessive. Last evaluated: 2023-04-11. Review status: criteria provided, single submitter. Criteria: ACMG Guidelines, 2015. Collection method: clinical testing. Allele origin: germline. Affected: no.

Labcorp Genetics (formerly Invitae), Labcorp
Classification: Uncertain significance. Last evaluated: 2022-07-26. Review status: criteria provided, single submitter. Criteria: Invitae Variant Classification Sherloc (09022015). Collection method: clinical testing. Allele origin: germline.
Comment: This sequence change replaces isoleucine, which is neutral and non-polar, with valine, which is neutral and non-polar, at codon 3147 of the ASPM protein (p.Ile3147Val). This variant is present in population databases (rs150906798, gnomAD 0.01%). This variant has not been reported in the literature in individuals affected with ASPM-related conditions. ClinVar contains an entry for this variant (Variation ID: 294601). Algorithms developed to predict the effect of missense changes on protein structure and function output the following: SIFT: "Tolerated"; PolyPhen-2: "Benign"; Align-GVGD: "Class C0". The valine amino acid residue is found in multiple mammalian species, which suggests that this missense change does not adversely affect protein function. In summary, the available evidence is currently insufficient to determine the role of this variant in disease. Therefore, it has been classified as a Variant of Uncertain Significance.

Ambry Genetics
Classification: Uncertain significance for Inborn genetic diseases. Last evaluated: 2021-07-27. Review status: criteria provided, single submitter. Criteria: Ambry Variant Classification Scheme 2023. Collection method: clinical testing. Allele origin: germline.

Illumina Laboratory Services, Illumina
Classification: Uncertain significance for Microcephaly 5, primary, autosomal recessive. Last evaluated: 2018-01-12. Review status: criteria provided, single submitter. Criteria: ICSL Variant Classification Criteria 13 December 2019. Collection method: clinical testing. Allele origin: germline.

NM_018136.5(ASPM):c.9439A>G (p.Ile3147Val)

Gene: ASPM (assembly factor for spindle microtubules; minus strand). Cytogenetic location: 1q31.3.
Variant type: single nucleotide variant.
Coding change: c.9439A>G on transcript NM_018136.5 (MANE Select); coding-DNA position 9439, A replaced by G.
Protein change: p.Ile3147Val; replaces isoleucine 3147 with valine.
Molecular consequence: missense variant.
Genome position (GRCh38, 1-based): chr1:197,091,912, T>C on the plus strand (A>G on the coding strand, the complement: ASPM is on the minus strand). VCF-style: chr1-197091912-T-C. GRCh37 (hg19) VCF-style: chr1-197061042-T-C.
Other names: c.4684A>G, p.Ile1562Val (NM_001206846.2); short protein forms I3147V, I1562V.
Identifiers: ClinVar variation 294601 (VCV000294601.9), dbSNP rs150906798, ClinGen allele CA1308960.